The following is an entry in ClinVar:

ClinVar aggregate classification (germline): Benign. Review status: criteria provided, multiple submitters, no conflicts (2 of 4 stars). 11 submissions from 11 submitters: Benign (8). 3 of the submissions do not count toward it. Last evaluated 2026-02-04.

Conditions:
Lysinuric protein intolerance (LPI). Identifiers: Orphanet 470, MedGen C0268647, MONDO:0009109, OMIM 222700.

Allele frequency attached by ClinVar (database versions not stated): gnomAD exomes 0.14601 and 0.18553; ESP Exome Variant Server 0.17354; ExAC 0.18133; gnomAD 0.18577 and 0.18661; TOPMed 0.19804; 1000 Genomes Project 0.23782; 1000 Genomes Project 30x 0.23907.
gnomAD v4.1: 241,745 of 1,613,810 alleles (15%); highest among the groups gnomAD compares: Admixed American, 32%; 20,802 homozygotes.

Submissions (11):

Labcorp Genetics (formerly Invitae), Labcorp
Classification: Benign for Lysinuric protein intolerance. Last evaluated: 2026-02-04. Review status: criteria provided, single submitter. Criteria: Invitae Variant Classification Sherloc (09022015). Collection method: clinical testing. Allele origin: germline.

Blueprint Genetics
Classification: Benign. Last evaluated: 2024-11-27. Review status: criteria provided, single submitter. Criteria: ACMG Guidelines, 2015. Collection method: clinical testing. Allele origin: germline.

Unidad de Genómica Garrahan, Hospital de Pediatría Garrahan
Classification: Benign. Last evaluated: 2024-01-24. Review status: criteria provided, single submitter. Criteria: ACMG Guidelines, 2015. Collection method: clinical testing. Allele origin: germline. Affected: no. Observed: 40 variant alleles.
Comment: This variant is classified as Benign based on local population frequency. This variant was detected in 42% of patients studied by a panel of primary immunodeficiencies. Number of patients: 40. Only high quality variants are reported.

Mayo Clinic Laboratories, Mayo Clinic
Classification: Benign. Last evaluated: 2022-09-06. Review status: criteria provided, single submitter. Criteria: ACMG Guidelines, 2015. Collection method: clinical testing. Allele origin: germline. Observed: 357 variant alleles.

Genome-Nilou Lab
Classification: Benign for Lysinuric protein intolerance. Last evaluated: 2021-07-10. Review status: criteria provided, single submitter. Criteria: ACMG Guidelines, 2015. Collection method: clinical testing. Allele origin: germline. Affected: no.

Illumina Laboratory Services, Illumina
Classification: Benign for Lysinuric protein intolerance. Last evaluated: 2018-01-12. Review status: criteria provided, single submitter. Criteria: ICSL Variant Classification Criteria 13 December 2019. Collection method: clinical testing. Allele origin: germline.
Comment: This variant was observed in the ICSL laboratory as part of a predisposition screen in an ostensibly healthy population. It had not been previously curated by ICSL or reported in the Human Gene Mutation Database (HGMD: prior to June 1st, 2018), and was therefore a candidate for classification through an automated scoring system. Utilizing variant allele frequency, disease prevalence and penetrance estimates, and inheritance mode, an automated score was calculated to assess if this variant is too frequent to cause the disease. Based on the score and internal cut-off values, a variant classified as benign is not then subjected to further curation. The score for this variant resulted in a classification of benign for this disease.

GeneDx
Classification: Benign. Last evaluated: 2014-04-04. Review status: criteria provided, single submitter. Criteria: GeneDx Variant Classification (06012015). Collection method: clinical testing. Allele origin: germline. Affected: yes.
Comment: This variant is considered likely benign or benign based on one or more of the following criteria: it is a conservative change, it occurs at a poorly conserved position in the protein, it is predicted to be benign by multiple in silico algorithms, and/or has population frequency not consistent with disease.

Breakthrough Genomics
Classification: Benign. Review status: criteria provided, single submitter. Criteria: ACMG Guidelines, 2015. Collection method: not provided. Allele origin: germline. Inheritance: Autosomal recessive inheritance. Affected: yes.

Natera, Inc.
Classification: Benign for Lysinuric protein intolerance. Last evaluated: 2020-09-16. Review status: no assertion criteria provided. Collection method: clinical testing. Allele origin: germline. Not counted in ClinVar's aggregate classification.

Clinical Genetics, Academic Medical Center
Classification: Benign. Review status: no assertion criteria provided. Collection method: clinical testing. Allele origin: germline. Affected: yes. Study: VKGL Data-share Consensus. Not counted in ClinVar's aggregate classification.

Joint Genome Diagnostic Labs from Nijmegen and Maastricht, Radboudumc and MUMC+
Classification: Benign. Review status: no assertion criteria provided. Collection method: clinical testing. Allele origin: germline. Affected: yes. Study: VKGL Data-share Consensus. Not counted in ClinVar's aggregate classification.

NM_003982.4(SLC7A7):c.660T>C (p.Gly220=)

Gene: SLC7A7 (solute carrier family 7 member 7; minus strand). Cytogenetic location: 14q11.2.
Variant type: single nucleotide variant.
Coding change: c.660T>C on transcript NM_003982.4 (MANE Select); coding-DNA position 660, T replaced by C.
Protein change: p.Gly220=; no amino-acid change (glycine 220 retained).
Molecular consequence: synonymous variant.
Genome position (GRCh38, 1-based): chr14:22,778,903, A>G on the plus strand (T>C on the coding strand, the complement: SLC7A7 is on the minus strand). VCF-style: chr14-22778903-A-G. GRCh37 (hg19) VCF-style: chr14-23248112-A-G.
Other names: p.G220G:GGT>GGC; p.Gly220=; c.660T>C, p.Gly220= (NM_001126105.3, NM_001126106.4).
Identifiers: ClinVar variation 139196 (VCV000139196.26), dbSNP rs1805061, ClinGen allele CA293591.